The following is an entry in ClinVar:

NM_020693.4(DSCAML1):c.3923G>A (p.Arg1308Gln)

Gene: DSCAML1 (DS cell adhesion molecule like 1; minus strand). Cytogenetic location: 11q23.3.
Variant type: single nucleotide variant.
Coding change: c.3923G>A on transcript NM_020693.4 (MANE Select); coding-DNA position 3923, G replaced by A.
Protein change: p.Arg1308Gln; replaces arginine 1308 with glutamine.
Molecular consequence: missense variant.
Genome position (GRCh38, 1-based): chr11:117,439,876, C>T on the plus strand (G>A on the coding strand, the complement: DSCAML1 is on the minus strand). VCF-style: chr11-117439876-C-T. GRCh37 (hg19) VCF-style: chr11-117310592-C-T.
Other names: c.4103G>A (NM_020693.2); short protein forms R1308Q.
Identifiers: ClinVar variation 1475705 (VCV001475705.7), dbSNP rs368257639, ClinGen allele CA6296543.
Genomic context (GRCh38, chr11:117,439,876, plus strand): 5'-CACCTGTCCTTGGTCCACTTCACAGCAGGGGCTGGATCTCCCACTGAATTGCAAGGCAGC[C>T]GAACATCTTTCATCCAAGGTGTTGTCACGGTGCCCCCAAAGGAGATGATCTTTGCTGGGG-3'
Protein context (NP_065744.3, residues 1298-1318): TVTTPWMKDV[Arg1308Gln]LPCNSVGDPA

ClinVar aggregate classification (germline): Uncertain significance. Review status: criteria provided, multiple submitters, no conflicts (2 of 4 stars). 2 submissions from 2 submitters: Uncertain significance (2). Last evaluated 2025-11-17.

Allele frequency attached by ClinVar (database versions not stated): ExAC 0.00002; gnomAD exomes 0.00004 and 0.00008; TOPMed 0.00007; ESP Exome Variant Server 0.00008; gnomAD 0.00009.
gnomAD v4.1: 129 of 1,614,060 alleles (0.008%); highest among the groups gnomAD compares: African/African-American, 0.011%; no homozygotes.

Submissions (2):

Labcorp Genetics (formerly Invitae), Labcorp
Classification: Uncertain significance. Last evaluated: 2025-11-17. Review status: criteria provided, single submitter. Criteria: Invitae Variant Classification Sherloc (09022015). Collection method: clinical testing. Allele origin: germline.
Comment: This sequence change replaces arginine, which is basic and polar, with glutamine, which is neutral and polar, at codon 1368 of the DSCAML1 protein (p.Arg1368Gln). This variant is present in population databases (rs368257639, gnomAD 0.01%). This variant has not been reported in the literature in individuals affected with DSCAML1-related conditions. ClinVar contains an entry for this variant (Variation ID: 1475705). An algorithm developed to predict the effect of missense changes on protein structure and function (PolyPhen-2) suggests that this variant is likely to be tolerated. In summary, the available evidence is currently insufficient to determine the role of this variant in disease. Therefore, it has been classified as a Variant of Uncertain Significance.

Ambry Genetics
Classification: Uncertain significance. Last evaluated: 2023-09-18. Review status: criteria provided, single submitter. Criteria: Ambry Variant Classification Scheme 2023. Collection method: clinical testing. Allele origin: germline.